The following is an entry in ClinVar:

ClinVar aggregate classification (germline): Uncertain significance (1 of 4 stars; one submission).

Conditions:
Mucopolysaccharidosis, MPS-II (MPS2). Also called: Attenuated MPS (subtype; formerly known as mild MPS II); Severe MPS II; I2S deficiency; MPS 2; Hunter Syndrome; IDURONATE 2-SULFATASE DEFICIENCY. Identifiers: Orphanet 580, Orphanet 79388, MedGen C0026705, MONDO:0010674, OMIM 309900.

Submission:

Labcorp Genetics (formerly Invitae), Labcorp
Classification: Uncertain significance for Mucopolysaccharidosis, MPS-II. Last evaluated: 2021-02-03. Review status: criteria provided, single submitter. Criteria: Invitae Variant Classification Sherloc (09022015). Collection method: clinical testing. Allele origin: germline.
Comment: This variant results in a copy number gain of the genomic region encompassing exon(s) 1-4 of the IDS gene. This region includes the initiator codon of the gene. The 5' end of this event is unknown as it extends beyond the assayed region for this gene and therefore may encompass additional genes. The 3' boundary is likely confined to intron 4 of the IDS gene. As the precise location of this event is unknown, it may be in tandem or it may be located elsewhere in the genome. This variant has not been reported in the literature in individuals with IDS-related conditions. In summary, the available evidence is currently insufficient to determine the role of this variant in disease. Therefore, it has been classified as a Variant of Uncertain Significance.

NC_000023.10:g.(?_148582460)_(148586667_?)dup

Gene: IDS (iduronate 2-sulfatase; minus strand). Cytogenetic location: Xq28.
Variant type: Duplication.
Identifiers: ClinVar variation 2422580 (VCV002422580.3).